The following is an entry in ClinVar:

NM_004863.4(SPTLC2):c.1227G>A (p.Thr409=)

Gene: SPTLC2 (serine palmitoyltransferase long chain base subunit 2; minus strand). Cytogenetic location: 14q24.3.
Variant type: single nucleotide variant.
Coding change: c.1227G>A on transcript NM_004863.4 (MANE Select); coding-DNA position 1227, G replaced by A.
Protein change: p.Thr409=; no amino-acid change (threonine 409 retained).
Molecular consequence: synonymous variant.
Genome position (GRCh38, 1-based): chr14:77,552,172, C>T on the plus strand (G>A on the coding strand, the complement: SPTLC2 is on the minus strand). VCF-style: chr14-77552172-C-T. GRCh37 (hg19) VCF-style: chr14-78018515-C-T.
Identifiers: ClinVar variation 380694 (VCV000380694.17), dbSNP rs9323646, ClinGen allele CA7289228.

ClinVar aggregate classification (germline): Benign/Likely benign. Review status: criteria provided, multiple submitters, no conflicts (2 of 4 stars). 6 submissions from 6 submitters: Benign (5); Likely benign (1). Last evaluated 2026-01-27.

Conditions:
SPTLC2-related disorder. Also called: SPTLC2-related condition.
Inborn genetic diseases. Identifiers: MedGen C0950123, MeSH D030342.
Neuropathy, hereditary sensory and autonomic, type 1C. Also called: HSAN IC; HSN IC. Identifiers: Orphanet 36386, MedGen C3150896, MONDO:0013337, OMIM 613640.

Allele frequency attached by ClinVar (database versions not stated): ExAC 0.00176; gnomAD 0.00520 and 0.00560; 1000 Genomes Project 0.00599; 1000 Genomes Project 30x 0.00640; TOPMed 0.00644; ESP Exome Variant Server 0.00669; gnomAD exomes 0.00053 and 0.00140.
gnomAD v4.1: 1,623 of 1,614,154 alleles (0.1%); highest among the groups gnomAD compares: African/African-American, 1.8%; 14 homozygotes.

Submissions (6):

Labcorp Genetics (formerly Invitae), Labcorp
Classification: Benign for Neuropathy, hereditary sensory and autonomic, type 1C. Last evaluated: 2026-01-27. Review status: criteria provided, single submitter. Criteria: Invitae Variant Classification Sherloc (09022015). Collection method: clinical testing. Allele origin: germline.

ARUP Laboratories, Molecular Genetics and Genomics, ARUP Laboratories
Classification: Benign for Neuropathy, hereditary sensory and autonomic, type 1C. Last evaluated: 2025-06-05. Review status: criteria provided, single submitter. Criteria: ARUP Molecular Germline Variant Investigation Process 2024. Collection method: clinical testing. Allele origin: germline.

PreventionGenetics, part of Exact Sciences
Classification: Benign for SPTLC2-related condition. Last evaluated: 2025-02-08. Review status: criteria provided, single submitter. Criteria: ACMG Guidelines, 2015. Collection method: clinical testing. Allele origin: germline.
Comment: This variant is classified as benign based on ACMG/AMP sequence variant interpretation guidelines (Richards et al. 2015 PMID: 25741868, with internal and published modifications).

Ambry Genetics
Classification: Likely benign for Inborn genetic diseases. Last evaluated: 2019-07-11. Review status: criteria provided, single submitter. Criteria: Ambry Variant Classification Scheme 2023. Collection method: clinical testing. Allele origin: germline.

GeneDx
Classification: Benign. Last evaluated: 2016-02-24. Review status: criteria provided, single submitter. Criteria: GeneDx Variant Classification (06012015). Collection method: clinical testing. Allele origin: germline. Affected: yes.
Comment: This variant is considered likely benign or benign based on one or more of the following criteria: it is a conservative change, it occurs at a poorly conserved position in the protein, it is predicted to be benign by multiple in silico algorithms, and/or has population frequency not consistent with disease.

Breakthrough Genomics
Classification: Benign. Review status: criteria provided, single submitter. Criteria: ACMG Guidelines, 2015. Collection method: not provided. Allele origin: germline. Inheritance: Autosomal dominant inheritance. Affected: yes.